The following is an entry in ClinVar:

ClinVar aggregate classification (germline): Likely benign. Review status: criteria provided, multiple submitters, no conflicts (2 of 4 stars). 3 submissions from 3 submitters: Likely benign (3). Last evaluated 2026-01-26.

Conditions:
Hypertrophic cardiomyopathy 1 (CMH1). Also called: Familial hypertrophic cardiomyopathy 1; MYH7-Related Familial Hypertrophic Cardiomyopathy. Identifiers: MedGen C3495498, MONDO:0008647, OMIM 192600.

Allele frequency attached by ClinVar (database versions not stated): gnomAD exomes 0.00008 and 0.00028; gnomAD 0.00011 and 0.00012; TOPMed 0.00017; ExAC 0.00028; 1000 Genomes Project 0.00040; 1000 Genomes Project 30x 0.00047.
gnomAD v4.1: 135 of 1,612,720 alleles (0.0084%); highest among the groups gnomAD compares: East Asian, 0.26%; no homozygotes.

Submissions (3):

Labcorp Genetics (formerly Invitae), Labcorp
Classification: Likely benign for Hypertrophic cardiomyopathy 1. Last evaluated: 2026-01-26. Review status: criteria provided, single submitter. Criteria: Invitae Variant Classification Sherloc (09022015). Collection method: clinical testing. Allele origin: germline.

GeneDx
Classification: Likely benign. Last evaluated: 2020-12-10. Review status: criteria provided, single submitter. Criteria: GeneDx Variant Classification Process June 2021. Collection method: clinical testing. Allele origin: germline. Affected: yes.

Laboratory for Molecular Medicine, Mass General Brigham Personalized Medicine
Classification: Likely benign. Last evaluated: 2015-04-04. Review status: criteria provided, single submitter. Criteria: LMM Criteria. Collection method: clinical testing. Allele origin: germline. Observed: 1 variant allele.
Comment: p.Pro94Leu in exon 3 of MYLK2: This variant is not expected to have clinical sig nificance because it has been identified in 0.4% (30/8402) of East Asian chromos omes by the Exome Aggregation Consortium (ExAC; dbSNP rs201134349). Furthermore, the proline (Pro) residue at position 94 is not conserved across species. Of note, >5 mammals have a leucine (Leu) at this posi tion despite high nearby amino acid conservation.

NM_033118.4(MYLK2):c.281C>T (p.Pro94Leu)

Gene: MYLK2 (myosin light chain kinase 2; plus strand). Cytogenetic location: 20q11.21.
Variant type: single nucleotide variant.
Coding change: c.281C>T on transcript NM_033118.4 (MANE Select); coding-DNA position 281, C replaced by T.
Protein change: p.Pro94Leu; replaces proline 94 with leucine.
Molecular consequence: missense variant.
Genome position (GRCh38, 1-based): chr20:31,820,354, C>T. VCF-style: chr20-31820354-C-T. GRCh37 (hg19) VCF-style: chr20-30408157-C-T.
Other names: p.P94L:CCG>CTG; short protein forms P94L.
Identifiers: ClinVar variation 201861 (VCV000201861.16), dbSNP rs201134349, ClinGen allele CA335247.